The following is an entry in ClinVar:

NM_005633.4(SOS1):c.3229G>A (p.Ala1077Thr)

Gene: SOS1 (SOS Ras/Rac guanine nucleotide exchange factor 1; minus strand). Cytogenetic location: 2p22.1.
Variant type: single nucleotide variant.
Coding change: c.3229G>A on transcript NM_005633.4 (MANE Select); coding-DNA position 3229, G replaced by A.
Protein change: p.Ala1077Thr; replaces alanine 1077 with threonine.
Molecular consequence: missense variant.
Genome position (GRCh38, 1-based): chr2:38,995,240, C>T on the plus strand (G>A on the coding strand, the complement: SOS1 is on the minus strand). VCF-style: chr2-38995240-C-T. GRCh37 (hg19) VCF-style: chr2-39222381-C-T.
Other names: c.3208G>A, p.Ala1070Thr (NM_001382394.1); c.3229G>A, p.Ala1077Thr (NM_001382395.1); short protein forms A1077T, A1070T.
Identifiers: ClinVar variation 1435223 (VCV001435223.6), dbSNP rs775100470, ClinGen allele CA1624238.

ClinVar aggregate classification (germline): Uncertain significance (1 of 4 stars; one submission).

Conditions:
RASopathy. Also called: rasopathies; Noonan spectrum disorder. Identifiers: Orphanet 536391, MedGen C5555857, MONDO:0021060.

Allele frequency attached by ClinVar (database versions not stated): TOPMed below 0.00001; ExAC 0.00001; gnomAD 0.00001; gnomAD exomes 0.00001.
gnomAD v4.1: 5 of 1,613,926 alleles (0.00031%); highest among the groups gnomAD compares: Non-Finnish European, 0.00042%; no homozygotes.

Submission:

Labcorp Genetics (formerly Invitae), Labcorp
Classification: Uncertain significance for RASopathy. Last evaluated: 2023-09-25. Review status: criteria provided, single submitter. Criteria: Invitae Variant Classification Sherloc (09022015). Collection method: clinical testing. Allele origin: germline.
Comment: This sequence change replaces alanine, which is neutral and non-polar, with threonine, which is neutral and polar, at codon 1077 of the SOS1 protein (p.Ala1077Thr). This variant is present in population databases (rs775100470, gnomAD 0.002%). This variant has not been reported in the literature in individuals affected with SOS1-related conditions. ClinVar contains an entry for this variant (Variation ID: 1435223). Advanced modeling of protein sequence and biophysical properties (such as structural, functional, and spatial information, amino acid conservation, physicochemical variation, residue mobility, and thermodynamic stability) has been performed at Invitae for this missense variant, however the output from this modeling did not meet the statistical confidence thresholds required to predict the impact of this variant on SOS1 protein function. In summary, the available evidence is currently insufficient to determine the role of this variant in disease. Therefore, it has been classified as a Variant of Uncertain Significance.